The following is an entry in ClinVar:

NM_130466.4(UBE3B):c.1228C>T (p.Gln410Ter)

Gene: UBE3B (ubiquitin protein ligase E3B; plus strand). Cytogenetic location: 12q24.11.
Variant type: single nucleotide variant.
Coding change: c.1228C>T on transcript NM_130466.4 (MANE Select); coding-DNA position 1228, C replaced by T.
Protein change: p.Gln410Ter; replaces glutamine 410 with a stop codon.
Molecular consequence: nonsense.
Genome position (GRCh38, 1-based): chr12:109,501,480, C>T. VCF-style: chr12-109501480-C-T. GRCh37 (hg19) VCF-style: chr12-109939285-C-T.
Other names: c.1228C>T, p.Gln410Ter (NM_183415.3); short protein forms Q410*.
Identifiers: ClinVar variation 3382287 (VCV003382287.2).

ClinVar aggregate classification (germline): Likely pathogenic (1 of 4 stars; one submission).

Conditions:
Oculocerebrofacial syndrome, Kaufman type. Also called: Blepharophimosis-ptosis-intellectual disability syndrome. Identifiers: Orphanet 2707, MedGen C1855663, MONDO:0009485, OMIM 244450.

gnomAD v4.1: 1 of 1,614,204 alleles (0.000062%); highest among the groups gnomAD compares: Non-Finnish European, 0.000085%; no homozygotes.

Submission:

Juno Genomics, Hangzhou Juno Genomics, Inc
Classification: Likely pathogenic for Oculocerebrofacial syndrome, Kaufman type. Review status: criteria provided, single submitter. Criteria: ACMG Guidelines, 2015. Collection method: clinical testing. Allele origin: germline. Affected: yes.
Comment: Absent from controls (or at extremely low frequency if recessive) in Genome Aggregation Database, Exome Sequencing Project, 1000 Genomes Project, or Exome Aggregation Consortium.;Null variant in a gene where loss of function (LOF) is a known mechanism of disease.